The following is an entry in ClinVar:

ClinVar aggregate classification (germline): Pathogenic. Review status: criteria provided, multiple submitters, no conflicts (2 of 4 stars). 2 submissions from 2 submitters: Pathogenic (2). Last evaluated 2020-03-10.

Conditions:
Familial adenomatous polyposis 1 (FAP1). Also called: FAMILIAL ADENOMATOUS POLYPOSIS 1, ATTENUATED; POLYPOSIS, ADENOMATOUS INTESTINAL. Identifiers: MedGen C2713442, MONDO:0021056, OMIM 175100. Disease mechanism: loss of function.
Hereditary cancer-predisposing syndrome. Also called: Tumor predisposition; Hereditary Cancer Syndrome; Hereditary neoplastic syndrome; Neoplastic Syndromes, Hereditary. Identifiers: Orphanet 140162, MedGen C0027672, MeSH D009386, MONDO:0015356.

Submissions (2):

Ambry Genetics
Classification: Pathogenic for Hereditary cancer-predisposing syndrome. Last evaluated: 2020-03-10. Review status: criteria provided, single submitter. Criteria: Ambry Variant Classification Scheme 2023. Collection method: clinical testing. Allele origin: germline.
Comment: The p.S1276* pathogenic mutation (also known as c.3827C>A), located in coding exon 15 of the APC gene, results from a C to A substitution at nucleotide position 3827. This changes the amino acid from a serine to a stop codon within coding exon 15. This alteration, designated as p.Ser1276X, has been reported in a patient with a personal history of 101-1000 colon polyps, sigmoid colon cancer, epidermoid cysts and thyroid cancer (Kanter-Smoler G et al. BMC Med, 2008 Apr;6:10). In addition to the clinical data presented in the literature, this alteration is expected to result in loss of function by premature protein truncation. As such, this alteration is interpreted as a disease-causing mutation.

Labcorp Genetics (formerly Invitae), Labcorp
Classification: Pathogenic for Familial adenomatous polyposis 1. Last evaluated: 2016-06-30. Review status: criteria provided, single submitter. Criteria: Invitae Variant Classification Sherloc (09022015). Collection method: clinical testing. Allele origin: germline.
Comment: For these reasons, this variant has been classified as Pathogenic. Loss-of-function variants in APC are known to be pathogenic. This particular variant has been reported in the literature in individuals affected with familial adenomatous polyposis (PMID: 18433509, 9452101). This sequence change results in a premature translational stop signal in the last exon of the APC mRNA at codon 1276 (p.Ser1276*). While this is not anticipated to result in nonsense mediated decay, it is expected to create a truncated APC protein.

Literature cited by the submitters: PubMed 18433509 (cited by Ambry Genetics and Labcorp Genetics (formerly Invitae), Labcorp); PubMed 31428572 (cited by Ambry Genetics); PubMed 9452101 (cited by Labcorp Genetics (formerly Invitae), Labcorp).

NM_000038.6(APC):c.3827C>A (p.Ser1276Ter)

Gene: APC (APC regulator of Wnt signaling pathway; plus strand). Cytogenetic location: 5q22.2.
Variant type: single nucleotide variant.
Coding change: c.3827C>A on transcript NM_000038.6 (MANE Select); coding-DNA position 3827, C replaced by A.
Protein change: p.Ser1276Ter; replaces serine 1276 with a stop codon.
Molecular consequence: nonsense.
Genome position (GRCh38, 1-based): chr5:112,839,421, C>A. VCF-style: chr5-112839421-C-A. GRCh37 (hg19) VCF-style: chr5-112175118-C-A.
Other names: c.3827C>A, p.Ser1276Ter (NM_001127510.3, NM_001354895.2); c.3773C>A, p.Ser1258Ter (NM_001127511.3); c.3881C>A, p.Ser1294Ter (NM_001354896.2); c.3857C>A, p.Ser1286Ter (NM_001354897.2); c.3752C>A, p.Ser1251Ter (NM_001354898.2); c.3743C>A, p.Ser1248Ter (NM_001354899.2); c.3704C>A, p.Ser1235Ter (NM_001354900.2); c.3650C>A, p.Ser1217Ter (NM_001354901.2); and 5 more; short protein forms S1258*, S1276*, S1150*, S1217*, S1235*, S1251*, S1294*, S1175*.
Identifiers: ClinVar variation 411428 (VCV000411428.12), dbSNP rs1060503299, ClinGen allele CA16029729.